The following is an entry in ClinVar:

ClinVar aggregate classification (germline): Benign. Review status: criteria provided, single submitter (1 of 4 stars). 3 submissions from 1 submitter: Benign (3). Last evaluated 2018-01-12.

Conditions:
Pallister-Hall syndrome (PHS). Also called: HYPOTHALAMIC HAMARTOBLASTOMA, HYPOPITUITARISM, IMPERFORATE ANUS, AND POSTAXIAL POLYDACTYLY; GLI3-Related Pallister-Hall Syndrome. Identifiers: Orphanet 672, MedGen C0265220, MONDO:0007804, OMIM 146510.
Greig cephalopolysyndactyly syndrome (GCPS). Also called: POLYSYNDACTYLY WITH PECULIAR SKULL SHAPE; Greig syndrome; GLI3-Related Greig Cephalopolysyndactyly Syndrome. Identifiers: Orphanet 380, MedGen C0265306, MONDO:0008287, OMIM 175700.
Polydactyly. Also called: polydactylism. Identifiers: MedGen C0152427, MONDO:0021003, OMIM 603596, HP:0010442.

Allele frequency attached by ClinVar (database versions not stated): gnomAD exomes 0.01190; 1000 Genomes Project 30x 0.01858; 1000 Genomes Project 0.01957; TOPMed 0.03269; gnomAD 0.03493 and 0.03505.
gnomAD v4.1: 5,323 of 152,276 alleles (3.5%); highest among the groups gnomAD compares: Non-Finnish European, 5.3%; 108 homozygotes.

Submissions (3):

Illumina Laboratory Services, Illumina
Classification: Benign for Polydactyly. Last evaluated: 2018-01-12. Review status: criteria provided, single submitter. Criteria: ICSL Variant Classification Criteria 13 December 2019. Collection method: clinical testing. Allele origin: germline.
Comment: This variant was observed in the ICSL laboratory as part of a predisposition screen in an ostensibly healthy population. It had not been previously curated by ICSL or reported in the Human Gene Mutation Database (HGMD: prior to June 1st, 2018), and was therefore a candidate for classification through an automated scoring system. Utilizing variant allele frequency, disease prevalence and penetrance estimates, and inheritance mode, an automated score was calculated to assess if this variant is too frequent to cause the disease. Based on the score and internal cut-off values, a variant classified as benign is not then subjected to further curation. The score for this variant resulted in a classification of benign for this disease.

Illumina Laboratory Services, Illumina
Classification: Benign for Pallister-Hall syndrome. Last evaluated: 2018-01-12. Review status: criteria provided, single submitter. Criteria: ICSL Variant Classification Criteria 13 December 2019. Collection method: clinical testing. Allele origin: germline.
Comment: the same text as in the submission from Illumina Laboratory Services, Illumina above.

Illumina Laboratory Services, Illumina
Classification: Benign for Greig cephalopolysyndactyly syndrome. Last evaluated: 2018-01-12. Review status: criteria provided, single submitter. Criteria: ICSL Variant Classification Criteria 13 December 2019. Collection method: clinical testing. Allele origin: germline.
Comment: the same text as in the submission from Illumina Laboratory Services, Illumina above.

NM_000168.6(GLI3):c.*726A>G

Gene: GLI3 (GLI family zinc finger 3; minus strand). Cytogenetic location: 7p14.1.
Variant type: single nucleotide variant.
Coding change: c.*726A>G on transcript NM_000168.6 (MANE Select); 726 bases downstream of the stop codon, A replaced by G.
Molecular consequence: 3 prime UTR variant.
Genome position (GRCh38, 1-based): chr7:41,963,604, T>C on the plus strand (A>G on the coding strand, the complement: GLI3 is on the minus strand). VCF-style: chr7-41963604-T-C. GRCh37 (hg19) VCF-style: chr7-42003202-T-C.
Identifiers: ClinVar variation 360205 (VCV000360205.5), dbSNP rs118157739, ClinGen allele CA10629202.
Genomic context (GRCh38, chr7:41,963,604, plus strand): 5'-GTTCATGAAGGTAGTGGGAGGAGAGGCAAATGTGATAACTGAGAATCGACCATACAGACA[T>C]AGCCTCCCCCAAAGCACACTTACAGACATGAAGAGCTGAAAACCAAAACTGTGAGCGCCC-3'